The following is an entry in ClinVar:

ClinVar aggregate classification (germline): Conflicting classifications of pathogenicity. Review status: criteria provided, conflicting classifications (1 of 4 stars). 6 submissions from 5 submitters: Uncertain significance (4); Benign (2). Last evaluated 2025-08-21.

Conditions:
Hereditary cancer-predisposing syndrome. Also called: Tumor predisposition; Neoplastic Syndromes, Hereditary; Hereditary neoplastic syndrome; Hereditary Cancer Syndrome. Identifiers: Orphanet 140162, MedGen C0027672, MeSH D009386, MONDO:0015356.
Cardiovascular phenotype. Identifiers: MedGen CN230736.
Neurofibromatosis, type 1 (NF1). Also called: VON RECKLINGHAUSEN DISEASE; Neurofibromatosis, type I; NEUROFIBROMATOSIS, TYPE I, SOMATIC; Peripheral type neurofibromatosis. Identifiers: Orphanet 636, MedGen C0027831, MONDO:0018975, OMIM 162200. Disease mechanism: loss of function.

Allele frequency attached by ClinVar (database versions not stated): ExAC 0.00001; gnomAD 0.00001; gnomAD exomes 0.00001.
gnomAD v4.1: 8 of 1,613,506 alleles (0.0005%); highest among the groups gnomAD compares: East Asian, 0.0022%; no homozygotes.

Submissions (6):

Ambry Genetics
Classification: Benign for Cardiovascular phenotype; Hereditary cancer-predisposing syndrome. Last evaluated: 2025-08-21. Review status: criteria provided, single submitter. Criteria: Ambry Variant Classification Scheme 2023. Collection method: clinical testing. Allele origin: germline.

Labcorp Genetics (formerly Invitae), Labcorp
Classification: Benign for Neurofibromatosis, type 1. Last evaluated: 2025-05-14. Review status: criteria provided, single submitter. Criteria: Invitae Variant Classification Sherloc (09022015). Collection method: clinical testing. Allele origin: germline.

Women's Health and Genetics/Laboratory Corporation of America, LabCorp
Classification: Uncertain significance. Last evaluated: 2024-06-04. Review status: criteria provided, single submitter. Criteria: LabCorp Variant Classification Summary - May 2015. Collection method: clinical testing. Allele origin: germline.
Comment: Variant summary: NF1 c.1553C>T (p.Thr518Ile) results in a non-conservative amino acid change in the encoded protein sequence. Two of four in-silico tools predict a benign effect of the variant on protein function. The variant allele was found at a frequency of 8e-06 in 250798 control chromosomes. The available data on variant occurrences in the general population are insufficient to allow any conclusion about variant significance. To our knowledge, no occurrence of c.1553C>T in individuals affected with Neurofibromatosis Type 1 and no experimental evidence demonstrating its impact on protein function have been reported. ClinVar contains an entry for this variant (Variation ID: 142755). Based on the evidence outlined above, the variant was classified as uncertain significance.

Genome-Nilou Lab
Classification: Uncertain significance for Neurofibromatosis, type 1. Last evaluated: 2022-03-15. Review status: criteria provided, single submitter. Criteria: ACMG Guidelines, 2015. Collection method: clinical testing. Allele origin: germline. Affected: no.

GeneDx
Classification: Uncertain significance. Last evaluated: 2021-05-05. Review status: criteria provided, single submitter. Criteria: GeneDx Variant Classification Process June 2021. Collection method: clinical testing. Allele origin: germline. Affected: yes.
Comment: In silico analysis supports that this missense variant does not alter protein structure/function; This variant is associated with the following publications: (PMID: 30287823)

Ambry Genetics
Classification: Uncertain significance for Hereditary cancer-predisposing syndrome. Last evaluated: 2015-02-05. Review status: criteria provided, single submitter. Criteria: Ambry Autosomal Dominant and X-Linked criteria (10/2015). Collection method: clinical testing. Allele origin: germline. Observed: 1 variant allele.
Comment: The p.T518I variant (also known as c.1553C>T), located in coding exon 14 of the NF1 gene, results from a C to T substitution at nucleotide position 1553. The threonine at codon 518 is replaced by isoleucine, an amino acid with similar properties. This variant was not reported in population based cohorts in the following databases: Database of Single Nucleotide Polymorphisms (dbSNP), NHLBI Exome Sequencing Project (ESP), and 1000 Genomes Project. To date, this alteration has been detected with an allele frequency of approximately 0.007% (greater than 30000 alleles tested) in our clinical cohort. This amino acid position is not well conserved in available vertebrate species. In addition, this alteration is predicted to be tolerated by in silico analysis. Since supporting evidence is limited at this time, the clinical significance of p.T518I remains unclear.

Literature cited by the submitters: PubMed 29684080 (cited by Ambry Genetics); PubMed 30287823 (cited by Ambry Genetics); PubMed 10678181 (cited by Women's Health and Genetics/Laboratory Corporation of America, LabCorp); PubMed 23460398 (cited by Women's Health and Genetics/Laboratory Corporation of America, LabCorp); PubMed 29872168 (cited by Women's Health and Genetics/Laboratory Corporation of America, LabCorp).

NM_001042492.3(NF1):c.1553C>T (p.Thr518Ile)

Gene: NF1 (neurofibromin 1; plus strand). Cytogenetic location: 17q11.2.
Variant type: single nucleotide variant.
Coding change: c.1553C>T on transcript NM_001042492.3 (MANE Select); coding-DNA position 1553, C replaced by T.
Protein change: p.Thr518Ile; replaces threonine 518 with isoleucine.
Molecular consequence: missense variant.
Genome position (GRCh38, 1-based): chr17:31,219,030, C>T. VCF-style: chr17-31219030-C-T. GRCh37 (hg19) VCF-style: chr17-29546048-C-T.
Other names: c.1553C>T, p.Thr518Ile (NM_000267.4, NM_001128147.3); short protein forms T518I.
Identifiers: ClinVar variation 142755 (VCV000142755.16), dbSNP rs587782696, ClinGen allele CA169328.
Genomic context (GRCh38, chr17:31,219,030, plus strand): 5'-TTTTTTTAATTGAAGTTTCCTTTTTTTCCTTGCAGAATCCAAGAAAACAGGGGCCCGAAA[C>T]CCAAGGCAGTACAGCAGAATTAATTACAGGGCTCGTCCAACTGGTCCCTCAGTCACACAT-3'
Protein context (NP_001035957.1, residues 508-528): LCNPRKQGPE[Thr518Ile]QGSTAELITG